The following is an entry in ClinVar:

NM_022168.4(IFIH1):c.2898+4A>G

Gene: IFIH1 (interferon induced with helicase C domain 1; minus strand). Cytogenetic location: 2q24.2.
Variant type: single nucleotide variant.
Coding change: c.2898+4A>G on transcript NM_022168.4 (MANE Select); 4 bases into the intron after coding-DNA position 2898, A replaced by G.
Molecular consequence: intron variant.
Genome position (GRCh38, 1-based): chr2:162,267,475, T>C on the plus strand (A>G on the coding strand, the complement: IFIH1 is on the minus strand). VCF-style: chr2-162267475-T-C. GRCh37 (hg19) VCF-style: chr2-163123985-T-C.
Identifiers: ClinVar variation 2023669 (VCV002023669.4), dbSNP rs2468943541, ClinGen allele CA2580064153.

ClinVar aggregate classification (germline): Uncertain significance (1 of 4 stars; one submission).

Conditions:
Singleton-Merten syndrome 1 (SGMRT1). Also called: Widened medullary cavities of bone, aortic calcification, abnormal dentition, and muscular weakness; Syndrome of widened medullary cavities of the metacarpals and phalanges, aortic calcification and abnormal dentition. Identifiers: Orphanet 85191, MedGen C4225427, MONDO:0024535, OMIM 182250.
Aicardi-Goutieres syndrome 7 (AGS7). Identifiers: Orphanet 51, MedGen C3888244, MONDO:0014367, OMIM 615846.

gnomAD v4.1: 1 of 1,613,282 alleles (0.000062%); highest among the groups gnomAD compares: Non-Finnish European, 0.000085%; no homozygotes.

Submission:

Labcorp Genetics (formerly Invitae), Labcorp
Classification: Uncertain significance for Aicardi-Goutieres syndrome 7; Singleton-Merten syndrome 1. Last evaluated: 2022-08-12. Review status: criteria provided, single submitter. Criteria: Invitae Variant Classification Sherloc (09022015). Collection method: clinical testing. Allele origin: germline.
Comment: This sequence change falls in intron 15 of the IFIH1 gene. It does not directly change the encoded amino acid sequence of the IFIH1 protein. It affects a nucleotide within the consensus splice site. This variant is not present in population databases (gnomAD no frequency). This variant has not been reported in the literature in individuals affected with IFIH1-related conditions. Variants that disrupt the consensus splice site are a relatively common cause of aberrant splicing (PMID: 17576681, 9536098). Algorithms developed to predict the effect of sequence changes on RNA splicing suggest that this variant is not likely to affect RNA splicing. In summary, the available evidence is currently insufficient to determine the role of this variant in disease. Therefore, it has been classified as a Variant of Uncertain Significance.

Literature cited by the submitters: PubMed 17576681; PubMed 9536098.